The following is an entry in ClinVar:

ClinVar aggregate classification (germline): Uncertain significance (1 of 4 stars; one submission).

Conditions:
Mitochondrial hypertrophic cardiomyopathy with lactic acidosis due to MTO1 deficiency. Also called: CARDIOMYOPATHY, INFANTILE HYPERTROPHIC MITOCHONDRIAL, AND LACTIC ACIDOSIS; Combined oxidative phosphorylation deficiency 10. Identifiers: Orphanet 314637, MedGen C4749921, MONDO:0013865, OMIM 614702.

Allele frequency attached by ClinVar (database versions not stated): gnomAD 0.00001; TOPMed 0.00001; gnomAD exomes below 0.00001.
gnomAD v4.1: 4 of 1,612,508 alleles (0.00025%); highest among the groups gnomAD compares: Non-Finnish European, 0.00034%; no homozygotes.

Submission:

Labcorp Genetics (formerly Invitae), Labcorp
Classification: Uncertain significance for Mitochondrial hypertrophic cardiomyopathy with lactic acidosis due to MTO1 deficiency. Last evaluated: 2021-08-27. Review status: criteria provided, single submitter. Criteria: Invitae Variant Classification Sherloc (09022015). Collection method: clinical testing. Allele origin: germline.
Comment: This sequence change replaces glycine with alanine at codon 514 of the MTO1 protein (p.Gly514Ala). The glycine residue is moderately conserved and there is a small physicochemical difference between glycine and alanine. This variant is not present in population databases (ExAC no frequency). This variant has not been reported in the literature in individuals affected with MTO1-related conditions. Algorithms developed to predict the effect of missense changes on protein structure and function (SIFT, PolyPhen-2, Align-GVGD) all suggest that this variant is likely to be tolerated. In summary, the available evidence is currently insufficient to determine the role of this variant in disease. Therefore, it has been classified as a Variant of Uncertain Significance.

NM_012123.4(MTO1):c.1541G>C (p.Gly514Ala)

Gene: MTO1 (mitochondrial tRNA translation optimization 1; plus strand). Cytogenetic location: 6q13.
Variant type: single nucleotide variant.
Coding change: c.1541G>C on transcript NM_012123.4 (MANE Select); coding-DNA position 1541, G replaced by C.
Protein change: p.Gly514Ala; replaces glycine 514 with alanine.
Molecular consequence: missense variant.
Genome position (GRCh38, 1-based): chr6:73,482,524, G>C. VCF-style: chr6-73482524-G-C. GRCh37 (hg19) VCF-style: chr6-74192247-G-C.
Other names: c.1661G>C, p.Gly554Ala (NM_001123226.2); c.1616G>C, p.Gly539Ala (NM_133645.3); short protein forms G539A, G554A, G514A.
Identifiers: ClinVar variation 1491637 (VCV001491637.3), dbSNP rs1392884488, ClinGen allele CA364717484.